The following is an entry in ClinVar:

NM_000321.3(RB1):c.1548G>A (p.Trp516Ter)

Gene: RB1 (RB transcriptional corepressor 1; plus strand). Cytogenetic location: 13q14.2.
Variant type: single nucleotide variant.
Coding change: c.1548G>A on transcript NM_000321.3 (MANE Select); coding-DNA position 1548, G replaced by A.
Protein change: p.Trp516Ter; replaces tryptophan 516 with a stop codon.
Molecular consequence: nonsense.
Genome position (GRCh38, 1-based): chr13:48,381,296, G>A. VCF-style: chr13-48381296-G-A. GRCh37 (hg19) VCF-style: chr13-48955432-G-A.
Other names: c.1548G>A, p.Trp516Ter (NM_001407165.1, NM_001407166.1); short protein forms W516*.
Identifiers: ClinVar variation 3237008 (VCV003237008.4), dbSNP rs2138145061.
Genomic context (GRCh38, chr13:48,381,296, plus strand): 5'-TTCATTTTTAGGAAGTACATCTCAGAATCTTGATTCTGGAACAGATTTGTCTTTCCCATG[G>A]ATTCTGAATGTGCTTAATTTAAAAGCCTTTGATTTTTACAAAGTGATCGAAAGTTTTATC-3'

ClinVar aggregate classification (germline): Pathogenic. Review status: criteria provided, multiple submitters, no conflicts (2 of 4 stars). 3 submissions from 3 submitters: Pathogenic (3). Last evaluated 2024-12-17.

Conditions:
Retinoblastoma (RB1). Also called: RETINOBLASTOMA, SOMATIC. Identifiers: Orphanet 790, MedGen C0035335, MeSH D012175, MONDO:0008380, OMIM 180200, HP:0009919. Disease mechanism: loss of function. Inheritance: Both sporadic and heritable forms are tested..

Submissions (3):

Labcorp Genetics (formerly Invitae), Labcorp
Classification: Pathogenic for Retinoblastoma. Last evaluated: 2024-12-17. Review status: criteria provided, single submitter. Criteria: Invitae Variant Classification Sherloc (09022015). Collection method: clinical testing. Allele origin: germline.
Comment: This sequence change creates a premature translational stop signal (p.Trp516*) in the RB1 gene. It is expected to result in an absent or disrupted protein product. Loss-of-function variants in RB1 are known to be pathogenic (PMID: 17096365). This variant is not present in population databases (gnomAD no frequency). This premature translational stop signal has been observed in individual(s) with retinoblastoma (PMID: 33456302). ClinVar contains an entry for this variant (Variation ID: 3237008). For these reasons, this variant has been classified as Pathogenic.

Genetic Diagnostic Laboratory, University of Pennsylvania School of Medicine
Classification: Pathogenic for Retinoblastoma. Last evaluated: 2024-05-20. Review status: criteria provided, single submitter. Criteria: ACMG Guidelines, 2015. Collection method: clinical testing. Allele origin: germline. Affected: yes. Observed: 2 variant alleles.
Comment: Case and Pedigree Information: BILATERAL CASES:2, UNILATERAL CASES:0, TOTAL CASES:2, PEDIGREES:2. ACMG Codes Applied:PVS1, PM2

3billion
Classification: Pathogenic for Retinoblastoma. Last evaluated: 2023-11-14. Review status: criteria provided, single submitter. Criteria: ACMG Guidelines, 2015. Collection method: clinical testing. Allele origin: germline. Affected: yes.
Comment: The variant is not observed in the gnomAD v2.1.1 dataset. Predicted Consequence/Location: Stop-gained (nonsense): predicted to result in a loss or disruption of normal protein function through nonsense-mediated decay (NMD) or protein truncation. Multiple pathogenic variants are reported downstream of the variant. The variant has been previously reported as de novo in a similarly affected individual (PMID: 33456302). The variant has been reported to be associated with RB1 related disorder (PMID: 33456302). Therefore, this variant is classified as Pathogenic according to the recommendation of ACMG/AMP guideline.

Literature cited by the submitters: PubMed 17096365 (cited by Labcorp Genetics (formerly Invitae), Labcorp); PubMed 33456302 (cited by Labcorp Genetics (formerly Invitae), Labcorp and 3billion).